The following is an entry in ClinVar:

NM_000051.4(ATM):c.4705G>A (p.Val1569Ile)

Gene: ATM (ATM serine/threonine kinase; plus strand). Cytogenetic location: 11q22.3.
Variant type: single nucleotide variant.
Coding change: c.4705G>A on transcript NM_000051.4 (MANE Select); coding-DNA position 4705, G replaced by A.
Protein change: p.Val1569Ile; replaces valine 1569 with isoleucine.
Molecular consequence: missense variant.
Genome position (GRCh38, 1-based): chr11:108,293,406, G>A. VCF-style: chr11-108293406-G-A. GRCh37 (hg19) VCF-style: chr11-108164133-G-A.
Other names: c.4705G>A, p.Val1569Ile (NM_001351834.2); short protein forms V1569I.
Identifiers: ClinVar variation 3708262 (VCV003708262.2).

ClinVar aggregate classification (germline): Uncertain significance (1 of 4 stars; one submission).

Conditions:
Ataxia-telangiectasia syndrome (AT). Also called: Ataxia-telangiectasia, complementation group E; ATAXIA-TELANGIECTASIA, COMPLEMENTATION GROUP A; ATAXIA-TELANGIECTASIA, FRESNO VARIANT; Ataxia-telangiectasia, complementation group D; AT, COMPLEMENTATION GROUP C; Ataxia-telangiectasia. Identifiers: Orphanet 100, MedGen C0004135, MONDO:0008840, OMIM 208900.

Submission:

Labcorp Genetics (formerly Invitae), Labcorp
Classification: Uncertain significance for Ataxia-telangiectasia syndrome. Last evaluated: 2025-07-07. Review status: criteria provided, single submitter. Criteria: Invitae Variant Classification Sherloc (09022015). Collection method: clinical testing. Allele origin: germline.
Comment: This sequence change replaces valine, which is neutral and non-polar, with isoleucine, which is neutral and non-polar, at codon 1569 of the ATM protein (p.Val1569Ile). This variant is not present in population databases (gnomAD no frequency). This variant has not been reported in the literature in individuals affected with ATM-related conditions. ClinVar contains an entry for this variant (Variation ID: 3708262). Invitae Evidence Modeling of protein sequence and biophysical properties (such as structural, functional, and spatial information, amino acid conservation, physicochemical variation, residue mobility, and thermodynamic stability) indicates that this missense variant is not expected to disrupt ATM protein function with a negative predictive value of 95%. In summary, the available evidence is currently insufficient to determine the role of this variant in disease. Therefore, it has been classified as a Variant of Uncertain Significance.